The following is an entry in ClinVar:

ClinVar aggregate classification (germline): Pathogenic (1 of 4 stars; one submission).

Conditions:
Kostmann syndrome (SCN3). Also called: KOSTMANN DISEASE; Autosomal recessive severe congenital neutropenia type 3. Identifiers: Orphanet 99749, MedGen C5235141, MONDO:0012548, OMIM 610738.

gnomAD v4.1: 1 of 1,600,076 alleles (0.000062%); highest among the groups gnomAD compares: Admixed American, 0.0017%; no homozygotes.

Submission:

Natera, Inc.
Classification: Pathogenic for Autosomal recessive severe congenital neutropenia type 3. Last evaluated: 2025-12-03. Review status: criteria provided, single submitter. Criteria: Natera Variant Classification Schema (03/2026). Collection method: clinical testing. Allele origin: germline.
Comment: The c.557-1G>T variant in HAX1 is a canonical splice acceptor site variant predicted to affect pre-mRNA splicing, which may result in an abnormal transcript and altered protein product. This variant is expected to result in nonsense mediated decay, truncation, or a dysfunctional protein product. This variant is rare in the general population with a frequency below the threshold expected for the associated phenotype(s). Another variant at this same site results in an alteration predicted to cause a similar molecular effect has been observed in individual(s) with the associated phenotype. Given the available evidence, this variant is classified as Pathogenic.

NM_006118.4(HAX1):c.557-1G>T

Gene: HAX1 (HCLS1 associated protein X-1; plus strand). Cytogenetic location: 1q21.3.
Variant type: single nucleotide variant.
Coding change: c.557-1G>T on transcript NM_006118.4 (MANE Select); the canonical splice acceptor site of the intron before coding-DNA position 557, G replaced by T.
Molecular consequence: splice acceptor variant.
Genome position (GRCh38, 1-based): chr1:154,275,153, G>T. VCF-style: chr1-154275153-G-T. GRCh37 (hg19) VCF-style: chr1-154247629-G-T.
Other names: c.413-1G>T (NM_001018837.2).
Identifiers: ClinVar variation 4815498 (VCV004815498.1).